The following is an entry in ClinVar:

NM_001370466.1(NOD2):c.1271G>A (p.Gly424Asp)

Gene: NOD2 (nucleotide binding oligomerization domain containing 2; plus strand). Cytogenetic location: 16q12.1.
Variant type: single nucleotide variant.
Coding change: c.1271G>A on transcript NM_001370466.1 (MANE Select); coding-DNA position 1271, G replaced by A.
Protein change: p.Gly424Asp; replaces glycine 424 with aspartic acid.
Molecular consequence: missense variant. On other transcripts: non-coding transcript variant (1).
Genome position (GRCh38, 1-based): chr16:50,711,263, G>A. VCF-style: chr16-50711263-G-A. GRCh37 (hg19) VCF-style: chr16-50745174-G-A.
Other names: c.1271G>A, p.Gly424Asp (NM_001293557.2); c.1352G>A, p.Gly451Asp (NM_022162.3); short protein forms G424D, G451D.
Identifiers: ClinVar variation 1364246 (VCV001364246.8), dbSNP rs1249578378, ClinGen allele CA395868749.

ClinVar aggregate classification (germline): Uncertain significance (1 of 4 stars; one submission).

Conditions:
Regional enteritis. Also called: Enteritis, Granulomatous. Identifiers: MedGen C0678202, MeSH D003424.
Blau syndrome (BLAUS). Also called: GRANULOMATOSIS, FAMILIAL JUVENILE SYSTEMIC; GRANULOMATOSIS, FAMILIAL, BLAU TYPE; GRANULOMATOUS INFLAMMATORY ARTHRITIS, DERMATITIS, AND UVEITIS, FAMILIAL; JABS SYNDROME; ARTHROCUTANEOUVEAL GRANULOMATOSIS. Identifiers: Orphanet 90340, MedGen C5201146, MONDO:0008523, OMIM 186580.

Allele frequency attached by ClinVar (database versions not stated): gnomAD exomes below 0.00001.
gnomAD v4.1: 1 of 1,613,790 alleles (0.000062%); highest among the groups gnomAD compares: Non-Finnish European, 0.000085%; no homozygotes.

Submission:

Labcorp Genetics (formerly Invitae), Labcorp
Classification: Uncertain significance for Regional enteritis; Blau syndrome. Last evaluated: 2021-06-28. Review status: criteria provided, single submitter. Criteria: Invitae Variant Classification Sherloc (09022015). Collection method: clinical testing. Allele origin: germline.
Comment: This sequence change replaces glycine with aspartic acid at codon 451 of the NOD2 protein (p.Gly451Asp). The glycine residue is highly conserved and there is a moderate physicochemical difference between glycine and aspartic acid. This variant is not present in population databases (ExAC no frequency). This variant has not been reported in the literature in individuals with NOD2-related conditions. Advanced modeling of protein sequence and biophysical properties (such as structural, functional, and spatial information, amino acid conservation, physicochemical variation, residue mobility, and thermodynamic stability) performed at Invitae indicates that this missense variant is not expected to disrupt NOD2 protein function. In summary, the available evidence is currently insufficient to determine the role of this variant in disease. Therefore, it has been classified as a Variant of Uncertain Significance.